The following is an entry in ClinVar:

ClinVar aggregate classification (germline): Likely pathogenic (1 of 4 stars; one submission).

Conditions:
Leber congenital amaurosis 5 (LCA5). Also called: Amaurosis congenita of Leber, type 5. Identifiers: Orphanet 65, MedGen C1858301, MONDO:0011473, OMIM 604537.

Submission:

Natera, Inc.
Classification: Likely pathogenic for Leber congenital amaurosis type 5. Last evaluated: 2025-11-06. Review status: criteria provided, single submitter. Criteria: Natera Variant Classification Schema (03/2026). Collection method: clinical testing. Allele origin: germline.
Comment: The c.423C>G variant in LCA5 is a nonsense variant predicted to introduce a stop codon at amino acid 141. This variant is expected to result in nonsense mediated decay, truncation, or a dysfunctional protein product. This variant is rare in the general population with a frequency below the threshold expected for the associated phenotype(s). Given the available evidence, this variant is classified as Likely Pathogenic.

NM_001122769.3(LCA5):c.423C>G (p.Tyr141Ter)

Gene: LCA5 (lebercilin LCA5; minus strand). Cytogenetic location: 6q14.1.
Variant type: single nucleotide variant.
Coding change: c.423C>G on transcript NM_001122769.3 (MANE Select); coding-DNA position 423, C replaced by G.
Protein change: p.Tyr141Ter; replaces tyrosine 141 with a stop codon.
Molecular consequence: nonsense.
Genome position (GRCh38, 1-based): chr6:79,513,509, G>C on the plus strand (C>G on the coding strand, the complement: LCA5 is on the minus strand). VCF-style: chr6-79513509-G-C. GRCh37 (hg19) VCF-style: chr6-80223226-G-C.
Other names: c.423C>G, p.Tyr141Ter (NM_181714.4); short protein forms Y141*.
Identifiers: ClinVar variation 4816988 (VCV004816988.1).